The following is an entry in ClinVar:

NM_002485.5(NBN):c.1738G>T (p.Val580Phe)

Gene: NBN (nibrin; minus strand). Cytogenetic location: 8q21.3.
Variant type: single nucleotide variant.
Coding change: c.1738G>T on transcript NM_002485.5 (MANE Select); coding-DNA position 1738, G replaced by T.
Protein change: p.Val580Phe; replaces valine 580 with phenylalanine.
Molecular consequence: missense variant.
Genome position (GRCh38, 1-based): chr8:89,953,351, C>A on the plus strand (G>T on the coding strand, the complement: NBN is on the minus strand). VCF-style: chr8-89953351-C-A. GRCh37 (hg19) VCF-style: chr8-90965579-C-A.
Other names: c.1492G>T, p.Val498Phe (NM_001024688.3); short protein forms V498F, V580F.
Identifiers: ClinVar variation 972179 (VCV000972179.9), dbSNP rs878854506, ClinGen allele CA371655204.

ClinVar aggregate classification (germline): Uncertain significance (1 of 4 stars; one submission).

Conditions:
Microcephaly, normal intelligence and immunodeficiency (NBS). Also called: Nijmegen breakage syndrome; Microcephaly with normal intelligence immunodeficiency and lymphoreticular malignancies; Nonsyndromal microcephaly autosomal recessive with normal intelligence; Seemanova syndrome 2; BERLIN BREAKAGE SYNDROME; IMMUNODEFICIENCY, MICROCEPHALY, AND CHROMOSOMAL INSTABILITY. Identifiers: Orphanet 647, MedGen C0398791, MONDO:0009623, OMIM 251260.

Submission:

Labcorp Genetics (formerly Invitae), Labcorp
Classification: Uncertain significance for Microcephaly, normal intelligence and immunodeficiency. Last evaluated: 2019-10-16. Review status: criteria provided, single submitter. Criteria: Invitae Variant Classification Sherloc (09022015). Collection method: clinical testing. Allele origin: germline.
Comment: This variant is not present in population databases (ExAC no frequency). This variant has not been reported in the literature in individuals with NBN-related conditions. This sequence change replaces valine with phenylalanine at codon 580 of the NBN protein (p.Val580Phe). The valine residue is weakly conserved and there is a small physicochemical difference between valine and phenylalanine. Algorithms developed to predict the effect of missense changes on protein structure and function are either unavailable or do not agree on the potential impact of this missense change (SIFT: "Tolerated"; PolyPhen-2: "Possibly Damaging"; Align-GVGD: "Class C0"). In summary, the available evidence is currently insufficient to determine the role of this variant in disease. Therefore, it has been classified as a Variant of Uncertain Significance.